The following is an entry in ClinVar:

ClinVar aggregate classification (germline): Uncertain significance. Review status: criteria provided, multiple submitters, no conflicts (2 of 4 stars). 3 submissions from 3 submitters: Uncertain significance (2). 1 of the submissions does not count toward it. Last evaluated 2024-12-16.

Conditions:
Meniere disease. Also called: Ménière's disease. Identifiers: MedGen C0025281, MONDO:0007972, OMIM 156000.

Allele frequency attached by ClinVar (database versions not stated): gnomAD 0.00005; ExAC 0.00006; gnomAD exomes 0.00006; TOPMed 0.00007; 1000 Genomes Project 0.00020; 1000 Genomes Project 30x 0.00031.
gnomAD v4.1: 97 of 1,612,990 alleles (0.006%); highest among the groups gnomAD compares: Middle Eastern, 0.066%; no homozygotes.

Submissions (3):

Ambry Genetics
Classification: Uncertain significance. Last evaluated: 2024-12-16. Review status: criteria provided, single submitter. Criteria: Ambry Variant Classification Scheme 2023. Collection method: clinical testing. Allele origin: germline.

Women's Health and Genetics/Laboratory Corporation of America, LabCorp
Classification: Uncertain significance. Last evaluated: 2023-11-14. Review status: criteria provided, single submitter. Criteria: LabCorp Variant Classification Summary - May 2015. Collection method: clinical testing. Allele origin: germline.
Comment: Variant summary: MYO1C c.80C>T (p.Ala27Val) results in a non-conservative amino acid change in the encoded protein sequence. Four of five in-silico tools predict a damaging effect of the variant on protein function. The variant allele was found at a frequency of 4.4e-05 in 249968 control chromosomes. To our knowledge, no occurrence of c.80C>T in individuals affected with MYO1C-Related Disorders and no experimental evidence demonstrating its impact on protein function have been reported. One submitter has cited clinical-significance assessments for this variant to ClinVar after 2014 and has classified the variant as uncertain significance. Based on the evidence outlined above, the variant was classified as uncertain significance.

Center for Computational Biology & Bioinformatics, University of California, San Diego
Classification: Uncertain significance for Meniere disease. Last evaluated: 2024-06-03. Review status: no assertion criteria provided. Collection method: research. Allele origin: germline. Affected: yes. Not counted in ClinVar's aggregate classification.

NM_001080779.2(MYO1C):c.185C>T (p.Ala62Val)

Gene: MYO1C (myosin IC; minus strand). Cytogenetic location: 17p13.3.
Variant type: single nucleotide variant.
Coding change: c.185C>T on transcript NM_001080779.2 (MANE Select); coding-DNA position 185, C replaced by T.
Protein change: p.Ala62Val; replaces alanine 62 with valine.
Molecular consequence: missense variant.
Genome position (GRCh38, 1-based): chr17:1,484,194, G>A on the plus strand (C>T on the coding strand, the complement: MYO1C is on the minus strand). VCF-style: chr17-1484194-G-A. GRCh37 (hg19) VCF-style: chr17-1387488-G-A.
Other names: c.128C>T, p.Ala43Val (NM_001080950.2); c.113C>T, p.Ala38Val (NM_001363855.1); c.80C>T, p.Ala27Val (NM_033375.5); short protein forms A43V, A62V, A27V, A38V.
Identifiers: ClinVar variation 2412323 (VCV002412323.5), dbSNP rs553256879, ClinGen allele CA8268173.